The following is an entry in ClinVar:

NM_005343.4(HRAS):c.158T>A (p.Leu53Ter)

Genes: HRAS (HRas proto-oncogene, GTPase; minus strand), LRRC56 (leucine rich repeat containing 56; plus strand). Cytogenetic location: 11p15.5.
Variant type: single nucleotide variant.
Coding change: c.158T>A on transcript NM_005343.4 (MANE Select); coding-DNA position 158, T replaced by A.
Protein change: p.Leu53Ter; replaces leucine 53 with a stop codon.
Molecular consequence: nonsense. On other transcripts: 5 prime UTR variant (1).
Genome position (GRCh38, 1-based): chr11:533,898, A>T on the plus strand (T>A on the coding strand, the complement: HRAS is on the minus strand). VCF-style: chr11-533898-A-T. GRCh37 (hg19) VCF-style: chr11-533898-A-T.
Other names: c.158T>A, p.Leu53Ter (NM_001130442.3, NM_176795.5); c.-162T>A (NM_001318054.2); short protein forms L53*.
Identifiers: ClinVar variation 2837680 (VCV002837680.3), dbSNP rs2133991328, ClinGen allele CA378924723.

ClinVar aggregate classification (germline): Uncertain significance (1 of 4 stars; one submission).

Conditions:
Costello syndrome (CSTLO). Also called: FACIOCUTANEOSKELETAL SYNDROME; FCS SYNDROME; HRAS-Related Costello Syndrome. Identifiers: Orphanet 3071, MedGen C0587248, MONDO:0009026, OMIM 218040.

Submission:

Labcorp Genetics (formerly Invitae), Labcorp
Classification: Uncertain significance for Costello syndrome. Last evaluated: 2023-02-15. Review status: criteria provided, single submitter. Criteria: Invitae Variant Classification Sherloc (09022015). Collection method: clinical testing. Allele origin: germline.
Comment: This variant is not present in population databases (gnomAD no frequency). In summary, the available evidence is currently insufficient to determine the role of this variant in disease. Therefore, it has been classified as a Variant of Uncertain Significance. Algorithms developed to predict the effect of sequence changes on RNA splicing suggest that this variant may create or strengthen a splice site. This variant has not been reported in the literature in individuals affected with HRAS-related conditions. This sequence change creates a premature translational stop signal (p.Leu53*) in the HRAS gene. It is expected to result in an absent or disrupted protein product. However, the current clinical and genetic evidence is not sufficient to establish whether loss-of-function variants in HRAS cause disease.